The following is an entry in ClinVar:

ClinVar aggregate classification (germline): Uncertain significance. Review status: criteria provided, multiple submitters, no conflicts (2 of 4 stars). 4 submissions from 4 submitters: Uncertain significance (4). Last evaluated 2025-12-29.

Conditions:
Tuberous sclerosis 2 (TSC2). Identifiers: Orphanet 805, MedGen C1860707, MONDO:0013199, OMIM 613254.
Hereditary cancer-predisposing syndrome. Also called: Hereditary neoplastic syndrome; Neoplastic Syndromes, Hereditary; Tumor predisposition; Hereditary Cancer Syndrome. Identifiers: Orphanet 140162, MedGen C0027672, MeSH D009386, MONDO:0015356.
Tuberous sclerosis syndrome (TSC). Also called: Tuberous Sclerosis Complex; Tuberous sclerosis. Identifiers: Orphanet 805, MedGen C0041341, MONDO:0001734.

Allele frequency attached by ClinVar (database versions not stated): TOPMed below 0.00001; gnomAD exomes 0.00001.

Submissions (4):

Labcorp Genetics (formerly Invitae), Labcorp
Classification: Uncertain significance for Tuberous sclerosis 2. Last evaluated: 2025-12-29. Review status: criteria provided, single submitter. Criteria: Invitae Variant Classification Sherloc (09022015). Collection method: clinical testing. Allele origin: germline.
Comment: This variant, c.2902_2907del, results in the deletion of 2 amino acid(s) of the TSC2 protein (p.Glu968_Ser969del), but otherwise preserves the integrity of the reading frame. This variant is not present in population databases (gnomAD no frequency). This variant has not been reported in the literature in individuals affected with TSC2-related conditions. ClinVar contains an entry for this variant (Variation ID: 467977). Experimental studies and prediction algorithms are not available or were not evaluated, and the functional significance of this variant is currently unknown. In summary, the available evidence is currently insufficient to determine the role of this variant in disease. Therefore, it has been classified as a Variant of Uncertain Significance.

All of Us Research Program, National Institutes of Health
Classification: Uncertain significance for Tuberous sclerosis syndrome. Last evaluated: 2023-12-18. Review status: criteria provided, single submitter. Criteria: ACMG Guidelines, 2015. Collection method: clinical testing. Allele origin: germline. Inheritance: Autosomal dominant inheritance. Observed: 1 variant allele, 1 heterozygote.
Comment: This variant causes an in-frame deletion of 2 amino acids in exon 26 of the TSC2 protein. To our knowledge, functional studies have not been reported for this variant. This variant has not been reported in individuals affected with TSC2-related disorders in the literature. This variant has not been identified in the general population by the Genome Aggregation Database (gnomAD). The available evidence is insufficient to determine the role of this variant in disease conclusively. Therefore, this variant is classified as a Variant of Uncertain Significance.

This study involves interpretation of variants in research participants for the purpose of population health screening. Participant phenotype was not available at the time of variant classification. Additional details can be found in publication PMID: 35346344, PMCID: PMC8962531

GeneDx
Classification: Uncertain significance. Last evaluated: 2022-03-29. Review status: criteria provided, single submitter. Criteria: GeneDx Variant Classification Process June 2021. Collection method: clinical testing. Allele origin: germline. Affected: yes.
Comment: Not observed at significant frequency in large population cohorts (gnomAD); In-frame deletion of 2 amino acids in a non-repeat region; In silico analysis supports a deleterious effect on protein structure/function; Has not been previously published as pathogenic or benign to our knowledge

Ambry Genetics
Classification: Uncertain significance for Hereditary cancer-predisposing syndrome. Last evaluated: 2020-01-03. Review status: criteria provided, single submitter. Criteria: Ambry Variant Classification Scheme 2023. Collection method: clinical testing. Allele origin: germline.
Comment: The c.2902_2907delGAGAGC variant (also known as p.E968_S969del) is located in coding exon 25 of the TSC2 gene. This variant results from an in-frame GAGAGC deletion at nucleotide positions 2902 to 2907. This results in the in-frame deletion of a at codon 968. This amino acid region is not well conserved in available vertebrate species. Since supporting evidence is limited at this time, the clinical significance of this alteration remains unclear.

NM_000548.5(TSC2):c.2902_2907del (p.Glu968_Ser969del)

Gene: TSC2 (TSC complex subunit 2; plus strand). Cytogenetic location: 16p13.3.
Variant type: Deletion.
Coding change: c.2902_2907del on transcript NM_000548.5 (MANE Select); coding-DNA positions 2902 to 2907, 6 bases deleted (GAGAGC; older notation c.2902_2907delGAGAGC).
Protein change: p.Glu968_Ser969del.
Molecular consequence: inframe deletion. On other transcripts: intron variant (9).
Genome position (GRCh38, 1-based): chr16:2,077,662-2,077,667, GAGAGC deleted. VCF-style (leftmost placement, unchanged base first): chr16-2077661-GGAGAGC-G. GRCh37 (hg19) VCF-style: chr16-2127662-GGAGAGC-G.
Other names: c.2902_2907del, p.Glu968_Ser969del (NM_001114382.3); c.2837+1077_2837+1082del (NM_021055.3, NM_001370405.1, NM_001363528.2 and 2 more transcripts); c.2726+1077_2726+1082del (NM_001318827.2); c.2237+1077_2237+1082del (NM_001318831.2); c.2690+1077_2690+1082del (NM_001318829.2); c.2870+1077_2870+1082del (NM_001318832.2); c.2902_2907del (NM_000548.3).
Identifiers: ClinVar variation 467977 (VCV000467977.13), dbSNP rs1460562160, ClinGen allele CA658656496.
Genomic context (GRCh38, chr16:2,077,661, plus strand): 5'-GAGGATAGCCAGACCCCCCAAACAAGGCTTGAATAACTCTCCACCCGTGAAAGAATTCAA[GGAGAGC>G]TCTGCAGCCGAGGCCTTCCGGTGCCGCAGCATCAGTGTGTCTGAACATGTGGTCCGCAGG-3'